The following is an entry in ClinVar:

ClinVar aggregate classification (germline): Uncertain significance. Review status: criteria provided, multiple submitters, no conflicts (2 of 4 stars). 2 submissions from 2 submitters: Uncertain significance (2). Last evaluated 2024-02-14.

Conditions:
Hereditary cancer-predisposing syndrome. Also called: Hereditary neoplastic syndrome; Neoplastic Syndromes, Hereditary; Tumor predisposition; Hereditary Cancer Syndrome. Identifiers: Orphanet 140162, MedGen C0027672, MeSH D009386, MONDO:0015356.
DICER1-related tumor predisposition. Also called: DICER1 syndrome; DICER1-related pleuropulmonary blastoma cancer predisposition syndrome. Identifiers: Orphanet 284343, MedGen C3839822, MONDO:0100216.

Submissions (2):

Labcorp Genetics (formerly Invitae), Labcorp
Classification: Uncertain significance for DICER1-related tumor predisposition. Last evaluated: 2024-02-14. Review status: criteria provided, single submitter. Criteria: Invitae Variant Classification Sherloc (09022015). Collection method: clinical testing. Allele origin: germline.
Comment: This sequence change replaces cysteine, which is neutral and slightly polar, with tyrosine, which is neutral and polar, at codon 196 of the DICER1 protein (p.Cys196Tyr). This variant is not present in population databases (gnomAD no frequency). This variant has not been reported in the literature in individuals affected with DICER1-related conditions. ClinVar contains an entry for this variant (Variation ID: 1044131). Advanced modeling of protein sequence and biophysical properties (such as structural, functional, and spatial information, amino acid conservation, physicochemical variation, residue mobility, and thermodynamic stability) performed at Invitae indicates that this missense variant is not expected to disrupt DICER1 protein function with a negative predictive value of 80%. In summary, the available evidence is currently insufficient to determine the role of this variant in disease. Therefore, it has been classified as a Variant of Uncertain Significance.

Ambry Genetics
Classification: Uncertain significance for Hereditary cancer-predisposing syndrome. Last evaluated: 2020-02-28. Review status: criteria provided, single submitter. Criteria: Ambry Variant Classification Scheme 2023. Collection method: clinical testing. Allele origin: germline.
Comment: The p.C196Y variant (also known as c.587G>A), located in coding exon 5 of the DICER1 gene, results from a G to A substitution at nucleotide position 587. The cysteine at codon 196 is replaced by tyrosine, an amino acid with highly dissimilar properties. This amino acid position is not well conserved in available vertebrate species. In addition, this alteration is predicted to be tolerated by in silico analysis. Since supporting evidence is limited at this time, the clinical significance of this alteration remains unclear.

NM_177438.3(DICER1):c.587G>A (p.Cys196Tyr)

Gene: DICER1 (dicer 1, ribonuclease III; minus strand). Cytogenetic location: 14q32.13.
Variant type: single nucleotide variant.
Coding change: c.587G>A on transcript NM_177438.3 (MANE Select); coding-DNA position 587, G replaced by A.
Protein change: p.Cys196Tyr; replaces cysteine 196 with tyrosine.
Molecular consequence: missense variant.
Genome position (GRCh38, 1-based): chr14:95,129,619, C>T on the plus strand (G>A on the coding strand, the complement: DICER1 is on the minus strand). VCF-style: chr14-95129619-C-T. GRCh37 (hg19) VCF-style: chr14-95595956-C-T.
Other names: c.587G>A, p.Cys196Tyr (NM_001195573.1, NM_001271282.3, NM_001291628.2 and 1 more transcripts); short protein forms C196Y.
Identifiers: ClinVar variation 1044131 (VCV001044131.13), dbSNP rs1893778226, ClinGen allele CA390888279.